The following is an entry in ClinVar:

ClinVar aggregate classification (germline): Uncertain significance (1 of 4 stars; one submission).

Conditions:
Gastrointestinal stromal tumor. Also called: Gastrointestinal stromal tumor, somatic; Gastrointestinal stroma tumor. Identifiers: Orphanet 44890, MedGen C0238198, MeSH D046152, MONDO:0011719, OMIM 606764, HP:0100723.

Submission:

Labcorp Genetics (formerly Invitae), Labcorp
Classification: Uncertain significance for Gastrointestinal stromal tumor. Last evaluated: 2020-08-06. Review status: criteria provided, single submitter. Criteria: Invitae Variant Classification Sherloc (09022015). Collection method: clinical testing. Allele origin: germline.
Comment: In summary, the available evidence is currently insufficient to determine the role of this variant in disease. Therefore, it has been classified as a Variant of Uncertain Significance. The current clinical and genetic evidence is not sufficient to establish whether loss-of-function variants in PDGFRA cause disease. This variant has not been reported in the literature in individuals with PDGFRA-related conditions. This variant is not present in population databases (ExAC no frequency). This sequence change creates a premature translational stop signal (p.His650Argfs*4) in the PDGFRA gene. It is expected to result in an absent or disrupted protein product.

NM_006206.6(PDGFRA):c.1949_1955del (p.His650fs)

Gene: PDGFRA (platelet derived growth factor receptor alpha; plus strand). Cytogenetic location: 4q12.
Variant type: Deletion.
Coding change: c.1949_1955del on transcript NM_006206.6 (MANE Select); coding-DNA positions 1949 to 1955, 7 bases deleted (ACCTGGG; older notation c.1949_1955delACCTGGG).
Protein change: p.His650fs; shifts the reading frame from histidine 650.
Molecular consequence: frameshift variant.
Genome position (GRCh38, 1-based): chr4:54,277,953-54,277,959, ACCTGGG deleted. VCF-style (leftmost placement, unchanged base first): chr4-54277952-CACCTGGG-C. GRCh37 (hg19) VCF-style: chr4-55144119-CACCTGGG-C.
Other names: c.1949_1955del, p.His650fs (NM_001347827.2, NM_001347829.2); c.2024_2030del, p.His675fs (NM_001347828.2); c.1988_1994del, p.His663fs (NM_001347830.2); short protein forms H650fs, H663fs, H675fs.
Identifiers: ClinVar variation 1006034 (VCV001006034.7), dbSNP rs1723828894, ClinGen allele CA1458536876.